The following is an entry in ClinVar:

NC_000011.10:g.64806369del

Gene: MEN1 (menin 1; minus strand). Cytogenetic location: 11q13.1.
Variant type: Deletion.
Genome position: GRCh38 VCF-style: chr11-64806366-GC-G. GRCh37 (hg19) VCF-style: chr11-64573838-GC-G.
Identifiers: ClinVar variation 844517 (VCV000844517.9), dbSNP rs1941733228, ClinGen allele CA916081648.
Genomic context (GRCh38, chr11:64,806,366, plus strand): 5'-AGCCAGGTACATGTAGGGGTAGATGTGTTCATCCCGATAGTAGGTCTTGGCTGAGGCAAT[GC>G]CCTGGATGGAGGTGAGGCAGAGGATCCTCAGGGAGGCAGCCCCAGCTGCCCTGCTGGCAC-3'

ClinVar aggregate classification (germline): Pathogenic (1 of 4 stars; one submission).

Conditions:
Multiple endocrine neoplasia, type 1 (MEN1). Also called: Endocrine adenomatosis multiple; MEN 1; MEA I; MEN I; WERMER SYNDROME. Identifiers: Orphanet 652, MedGen C0025267, MeSH D018761, MONDO:0007540, OMIM 131100.

Submission:

Labcorp Genetics (formerly Invitae), Labcorp
Classification: Pathogenic for Multiple endocrine neoplasia, type 1. Last evaluated: 2019-11-26. Review status: criteria provided, single submitter. Criteria: Invitae Variant Classification Sherloc (09022015). Collection method: clinical testing. Allele origin: germline.
Comment: This variant is not present in population databases (ExAC no frequency). This sequence change creates a premature translational stop signal (p.Gly305Alafs*63) in the MEN1 gene. It is expected to result in an absent or disrupted protein product. This variant has not been reported in the literature in individuals with MEN1-related conditions. For these reasons, this variant has been classified as Pathogenic. Loss-of-function variants in MEN1 are known to be pathogenic (PMID: 12112656, 17853334).

Literature cited by the submitters: PubMed 12112656; PubMed 17853334.